The following is an entry in ClinVar:

ClinVar aggregate classification (germline): Uncertain significance (1 of 4 stars; one submission).

Submission:

Labcorp Genetics (formerly Invitae), Labcorp
Classification: Uncertain significance. Last evaluated: 2024-10-17. Review status: criteria provided, single submitter. Criteria: Invitae Variant Classification Sherloc (09022015). Collection method: clinical testing. Allele origin: germline.
Comment: This sequence change replaces leucine, which is neutral and non-polar, with proline, which is neutral and non-polar, at codon 2768 of the LAMA1 protein (p.Leu2768Pro). This variant is not present in population databases (gnomAD no frequency). This variant has not been reported in the literature in individuals affected with LAMA1-related conditions. ClinVar contains an entry for this variant (Variation ID: 2007902). Invitae Evidence Modeling of protein sequence and biophysical properties (such as structural, functional, and spatial information, amino acid conservation, physicochemical variation, residue mobility, and thermodynamic stability) indicates that this missense variant is expected to disrupt LAMA1 protein function with a positive predictive value of 80%. In summary, the available evidence is currently insufficient to determine the role of this variant in disease. Therefore, it has been classified as a Variant of Uncertain Significance.

NM_005559.4(LAMA1):c.8303T>C (p.Leu2768Pro)

Gene: LAMA1 (laminin subunit alpha 1; minus strand). Cytogenetic location: 18p11.31.
Variant type: single nucleotide variant.
Coding change: c.8303T>C on transcript NM_005559.4 (MANE Select); coding-DNA position 8303, T replaced by C.
Protein change: p.Leu2768Pro; replaces leucine 2768 with proline.
Molecular consequence: missense variant.
Genome position (GRCh38, 1-based): chr18:6,950,876, A>G on the plus strand (T>C on the coding strand, the complement: LAMA1 is on the minus strand). VCF-style: chr18-6950876-A-G. GRCh37 (hg19) VCF-style: chr18-6950875-A-G.
Other names: short protein forms L2768P.
Identifiers: ClinVar variation 2007902 (VCV002007902.4), dbSNP rs952213618, ClinGen allele CA401838647.
Genomic context (GRCh38, chr18:6,950,876, plus strand): 5'-TGAGAGACCTTTGTTCTGCCTTTGCCAAGGTCAAACATGAAGTGGAGGCGGCCCCCGTGC[A>G]GCTGGAGCACAGCGTAGTCTGCTTGGTTCTGATGAGCCATGTAGTAAATCAGGCCGCTGG-3'
Protein context (NP_005550.2, residues 2758-2778): QNQADYAVLQ[Leu2768Pro]HGGRLHFMFD